The following is an entry in ClinVar:

NM_006922.4(SCN3A):c.5412_5413delinsTT (p.Thr1805Ser)

Gene: SCN3A (sodium voltage-gated channel alpha subunit 3; minus strand). Cytogenetic location: 2q24.3.
Variant type: Indel.
Coding change: c.5412_5413delinsTT on transcript NM_006922.4 (MANE Select); coding-DNA positions 5412 to 5413, GA replaced by TT.
Protein change: p.Thr1805Ser; replaces threonine 1805 with serine.
Molecular consequence: missense variant.
Genome position (GRCh38, 1-based): chr2:165,090,740-165,090,741, TC replaced by AA on the plus strand (GA replaced by TT on the coding strand, the reverse complement: SCN3A is on the minus strand). VCF-style: chr2-165090740-TC-AA. GRCh37 (hg19) VCF-style: chr2-165947250-TC-AA.
Other names: c.5265_5266delinsTT, p.Thr1756Ser (NM_001081676.2, NM_001081677.2); short protein forms T1805S, T1756S.
Identifiers: ClinVar variation 3571756 (VCV003571756.1).

ClinVar aggregate classification (germline): Uncertain significance (1 of 4 stars; one submission).

Submission:

Athena Diagnostics
Classification: Uncertain significance. Last evaluated: 2024-11-27. Review status: criteria provided, single submitter. Criteria: Athena Diagnostics Criteria. Collection method: clinical testing. Allele origin: unknown.
Comment: Available data are insufficient to determine the clinical significance of the variant at this time. This variant has not been reported in large, multi-ethnic general populations. Computational tools yielded predictions that this variant is unlikely to have an effect on normal RNA splicing.